The following is an entry in ClinVar:

NM_000321.3(RB1):c.500+23T>G

Gene: RB1 (RB transcriptional corepressor 1; plus strand). Cytogenetic location: 13q14.2.
Variant type: single nucleotide variant.
Coding change: c.500+23T>G on transcript NM_000321.3 (MANE Select); 23 bases into the intron after coding-DNA position 500, T replaced by G.
Molecular consequence: intron variant.
Genome position (GRCh38, 1-based): chr13:48,345,222, T>G. VCF-style: chr13-48345222-T-G. GRCh37 (hg19) VCF-style: chr13-48919358-T-G.
Identifiers: ClinVar variation 255825 (VCV000255825.8), dbSNP rs198617, ClinGen allele CA038309.

ClinVar aggregate classification (germline): Benign. Review status: criteria provided, multiple submitters, no conflicts (2 of 4 stars). 6 submissions from 6 submitters: Benign (6). Last evaluated 2025-09-17.

Conditions:
Hereditary retinoblastoma. Identifiers: Orphanet 357027, MedGen C0751483, MONDO:0018160.
Retinoblastoma (RB1). Also called: RETINOBLASTOMA, SOMATIC. Identifiers: Orphanet 790, MedGen C0035335, MeSH D012175, MONDO:0008380, OMIM 180200, HP:0009919. Disease mechanism: loss of function. Inheritance: Both sporadic and heritable forms are tested..

Allele frequency attached by ClinVar (database versions not stated): 1000 Genomes Project 30x 0.91146; 1000 Genomes Project 0.91374; TOPMed 0.92720; ESP Exome Variant Server 0.92832; gnomAD 0.93273 and 0.93385; ExAC 0.96075; gnomAD exomes 0.96253 and 0.97824.
gnomAD v4.1: 1,563,608 of 1,606,016 alleles (97%); highest among the groups gnomAD compares: East Asian, 100%; 762,473 homozygotes.

Submissions (6):

Ramesar Group, Division of Human Genetics, Institute of Infectious Diseases and Molecular Medicine, UCT/MRC Genomic and Precision Medicine Research Unit, University of Cape Town
Classification: Benign for Hereditary retinoblastoma. Last evaluated: 2025-09-17. Review status: criteria provided, single submitter. Criteria: ACMG Guidelines, 2015. Collection method: research. Allele origin: germline. Affected: no.
Comment: BA1 - This variant is common in the general population (gnomAD), and is present in 79 individuals in our in-house control cohort (99%) BP5 - Variant found in a patient with a different retinal disease; RB1 is not associated with the phenotype BP6 - Reported as benign in ClinVar BP7 - A non-coding variant with no predicted effect on splicing (SpliceAI scores are negligible)

KCCC/NGS Laboratory, Kuwait Cancer Control Center
Classification: Benign for Retinoblastoma. Last evaluated: 2023-07-07. Review status: criteria provided, single submitter. Criteria: ACMG Guidelines, 2015. Collection method: clinical testing. Allele origin: germline. Affected: yes.

Genome-Nilou Lab
Classification: Benign for Retinoblastoma. Last evaluated: 2021-11-07. Review status: criteria provided, single submitter. Criteria: ACMG Guidelines, 2015. Collection method: clinical testing. Allele origin: germline. Affected: no.

GeneDx
Classification: Benign. Last evaluated: 2018-06-23. Review status: criteria provided, single submitter. Criteria: GeneDx Variant Classification Process June 2021. Collection method: clinical testing. Allele origin: germline. Affected: yes.

Breakthrough Genomics
Classification: Benign. Review status: criteria provided, single submitter. Criteria: ACMG Guidelines, 2015. Collection method: not provided. Allele origin: germline. Inheritance: Autosomal dominant inheritance. Affected: yes.

PreventionGenetics, part of Exact Sciences
Classification: Benign. Review status: criteria provided, single submitter. Criteria: ACMG Guidelines, 2015. Collection method: clinical testing. Allele origin: germline.